The following is an entry in ClinVar:

ClinVar aggregate classification (germline): Pathogenic. Review status: reviewed by expert panel (3 of 4 stars). 9 submissions from 8 submitters: Pathogenic (1). 8 of the submissions do not count toward it. Last evaluated 2016-09-08.

Conditions:
Hereditary cancer-predisposing syndrome. Also called: Tumor predisposition; Neoplastic Syndromes, Hereditary; Hereditary Cancer Syndrome; Hereditary neoplastic syndrome. Identifiers: Orphanet 140162, MedGen C0027672, MeSH D009386, MONDO:0015356.
Hereditary breast ovarian cancer syndrome. Also called: Hereditary breast and ovarian cancer syndrome (HBOC); Hereditary breast and ovarian cancer syndrome; Hereditary breast and ovarian cancer; Hereditary breast and/or ovarian cancer syndrome; Breast and ovarian cancer; BRCA1- and BRCA2-Associated Hereditary Breast and Ovarian Cancer. Identifiers: Orphanet 145, MedGen C0677776, MeSH D061325, MONDO:0003582. Disease mechanism: loss of function.
Breast-ovarian cancer, familial, susceptibility to, 1 (BROVCA1). Also called: OVARIAN CANCER, SUSCEPTIBILITY TO; BRCA1 Hereditary Breast and Ovarian Cancer. Identifiers: Orphanet 145, MedGen C2676676, MONDO:0011450, OMIM 604370. Disease mechanism: loss of function.
Familial cancer of breast. Also called: Hereditary breast cancer; hereditary breast carcinoma; BREAST CANCER, FAMILIAL. Identifiers: Orphanet 227535, MedGen C0346153, MONDO:0016419, OMIM 114480. Disease mechanism: loss of function.

Submissions (9):

Evidence-based Network for the Interpretation of Germline Mutant Alleles (ENIGMA)
Classification: Pathogenic for Breast-ovarian cancer, familial, susceptibility to, 1. Last evaluated: 2016-09-08. Review status: reviewed by expert panel. Criteria: ENIGMA BRCA1/2 Classification Criteria (2015). Collection method: curation. Allele origin: germline.
Comment: Variant allele predicted to encode a truncated non-functional protein.

Center for Genomic Medicine, Rigshospitalet, Copenhagen University Hospital
Classification: Pathogenic. Last evaluated: 2025-03-04. Review status: criteria provided, single submitter. Criteria: ACMG Guidelines, 2015. Collection method: clinical testing. Allele origin: germline. Not counted in ClinVar's aggregate classification.

Molecular Diagnostics Laboratory, Catalan Institute of Oncology
Classification: Pathogenic for Hereditary cancer-predisposing syndrome. Last evaluated: 2025-03-02. Review status: criteria provided, single submitter. Criteria: ClinGen BRCA1BRCA2 ACMG Specifications BRCA1 V1.0.0. Collection method: clinical testing. Allele origin: germline. Not counted in ClinVar's aggregate classification.
Comment: PVS1, PM5_PTC_Strong c.1912del, located in exon 10 (11 according BIC nomenclature) of the BRCA1 gene, consists in the deletion of 1 nucleotide, causing a translational frameshift with a predicted alternate stop codon, p.(Glu638Asnfs*13). This alteration is expected to result in loss of function by premature protein truncation and nonsense-mediated mRNA decay (PVS1, PM5_PTC_Strong). It is not present in the population database gnomAD v2.1.1, non cancer dataset. No effect is predicted on splicing by computational tools. To our knowledge, no functional studies have been reported for this variant. This variant has been repeatedly reported in breast and ovarian cancer families. In addition, it has been reported in ClinVar (6x pathogenic and 1x pathogenic and reviewed by an expert panel: ENIGMA (8/9/2016): ”Variant allele predicted to encode a truncated non-functional protein”), and LOVD databases (11x pathogenic). Based on currently available information, the variant c.1912del should be considered a pathogenic variant.

Ambry Genetics
Classification: Pathogenic for Hereditary cancer-predisposing syndrome. Last evaluated: 2025-01-03. Review status: criteria provided, single submitter. Criteria: Ambry Variant Classification Scheme 2023. Collection method: clinical testing. Allele origin: germline. Not counted in ClinVar's aggregate classification.
Comment: The c.1912delG pathogenic mutation, located in coding exon 9 of the BRCA1 gene, results from a deletion of one nucleotide at nucleotide position 1912, causing a translational frameshift with a predicted alternate stop codon (p.E638Nfs*13). This mutation has been reported in multiple breast and/or ovarian cancer families (D&iacute;ez O et al. Hum Mutat, 2003 Oct;22:301-12; Fernandes GC et al. Oncotarget, 2016 Dec;7:80465-80481; Palmero EI et al. Sci Rep, 2018 06;8:9188). Of note, this alteration is also designated as 2031delG in published literature. This variant is considered to be rare based on population cohorts in the Genome Aggregation Database (gnomAD). In addition to the clinical data presented in the literature, this alteration is expected to result in loss of function by premature protein truncation or nonsense-mediated mRNA decay. As such, this alteration is interpreted as a disease-causing mutation.

Labcorp Genetics (formerly Invitae), Labcorp
Classification: Pathogenic for Hereditary breast ovarian cancer syndrome. Last evaluated: 2024-04-15. Review status: criteria provided, single submitter. Criteria: Invitae Variant Classification Sherloc (09022015). Collection method: clinical testing. Allele origin: germline. Not counted in ClinVar's aggregate classification.
Comment: This sequence change creates a premature translational stop signal (p.Glu638Asnfs*13) in the BRCA1 gene. It is expected to result in an absent or disrupted protein product. Loss-of-function variants in BRCA1 are known to be pathogenic (PMID: 20104584). This variant is not present in population databases (gnomAD no frequency). This premature translational stop signal has been observed in individual(s) with breast and/or ovarian cancer (PMID: 12955716, 27741520, 28477318, 29021639). This variant is also known as 2031delG and c.1912_1912del. ClinVar contains an entry for this variant (Variation ID: 54398). For these reasons, this variant has been classified as Pathogenic.

Baylor Genetics
Classification: Pathogenic for Breast-ovarian cancer, familial, susceptibility to, 1. Last evaluated: 2022-05-12. Review status: criteria provided, single submitter. Criteria: ACMG Guidelines, 2015. Collection method: clinical testing. Allele origin: unknown. Not counted in ClinVar's aggregate classification.

Baylor Genetics
Classification: Pathogenic for Familial cancer of breast. Last evaluated: 2017-02-23. Review status: criteria provided, single submitter. Criteria: ACMG Guidelines, 2015. Collection method: clinical testing. Allele origin: germline. Inheritance: Autosomal dominant inheritance. Affected: yes. Observed: 1 variant allele. Not counted in ClinVar's aggregate classification.

Consortium of Investigators of Modifiers of BRCA1/2 (CIMBA), c/o University of Cambridge
Classification: Pathogenic for Breast-ovarian cancer, familial, susceptibility to, 1. Last evaluated: 2015-10-02. Review status: criteria provided, single submitter. Criteria: CIMBA Mutation Classification guidelines May 2016. Collection method: clinical testing. Allele origin: germline. Not counted in ClinVar's aggregate classification.

Breast Cancer Information Core (BIC) (BRCA1)
Classification: Pathogenic for Breast-ovarian cancer, familial 1. Last evaluated: 2004-02-20. Review status: no assertion criteria provided. Collection method: clinical testing. Allele origin: germline. Affected: yes. Observed: 1 variant allele. Not counted in ClinVar's aggregate classification.

Literature cited by the submitters: PubMed 12955716 (cited by Ambry Genetics and Labcorp Genetics (formerly Invitae), Labcorp); PubMed 27741520 (cited by Ambry Genetics and Labcorp Genetics (formerly Invitae), Labcorp); PubMed 29907814 (cited by Ambry Genetics); PubMed 20104584 (cited by Labcorp Genetics (formerly Invitae), Labcorp); PubMed 28477318 (cited by Labcorp Genetics (formerly Invitae), Labcorp); PubMed 29021639 (cited by Labcorp Genetics (formerly Invitae), Labcorp).

NM_007294.4(BRCA1):c.1912del (p.Glu638fs)

Gene: BRCA1 (BRCA1 DNA repair associated; minus strand). Cytogenetic location: 17q21.31.
Variant type: Deletion.
Coding change: c.1912del on transcript NM_007294.4 (MANE Select); coding-DNA position 1912, one base deleted (G; older notation c.1912delG).
Protein change: p.Glu638fs; shifts the reading frame from glutamic acid 638.
Molecular consequence: frameshift variant. On other transcripts: intron variant (137).
Genome position (GRCh38, 1-based): chr17:43,093,619, C deleted on the plus strand (G on the coding strand, the reverse complement: BRCA1 is on the minus strand). VCF-style (leftmost placement, unchanged base first): chr17-43093618-TC-T. GRCh37 (hg19) VCF-style: chr17-41245635-TC-T.
Other names: 2031delG; c.1699del, p.Glu567fs (NM_001407571.1, NM_001407853.1, NM_001407894.1 and 9 more transcripts); c.1912del, p.Glu638fs (NM_001407581.1, NM_001407582.1, NM_001407583.1 and 30 more transcripts); c.1909del, p.Glu637fs (NM_001407587.1, NM_001407590.1, NM_001407591.1 and 22 more transcripts); c.1903del, p.Glu635fs (NM_001407646.1, NM_001407647.1); c.1789del, p.Glu597fs (NM_001407648.1, NM_001407664.1, NM_001407665.1 and 19 more transcripts); c.1786del, p.Glu596fs (NM_001407649.1, NM_001407670.1, NM_001407671.1 and 11 more transcripts); c.1834del, p.Glu612fs (NM_001407653.1, NM_001407654.1, NM_001407655.1 and 4 more transcripts); and 41 more; short protein forms E638fs, E591fs, E527fs, E568fs, E611fs, E612fs, E635fs, E526fs.
Identifiers: ClinVar variation 54398 (VCV000054398.25), dbSNP rs80357933, ClinGen allele CA001254.
Genomic context (GRCh38, chr17:43,093,618, plus strand): 5'-ATTTGGTTGTACTTTTTTTTCTTTATCTCTTCACTGCTAGAACAACTATCAATTTGCAAT[TC>T]AGTACAATTAGGTGGGCTTAGATTTCTACTGACTACTAGTTCAAGCGCATGAATATGCCT-3'